The following is an entry in ClinVar:

NM_172107.4(KCNQ2):c.928-87G>C

Gene: KCNQ2 (potassium voltage-gated channel subfamily Q member 2; minus strand). Cytogenetic location: 20q13.33.
Variant type: single nucleotide variant.
Coding change: c.928-87G>C on transcript NM_172107.4 (MANE Select); 87 bases into the intron before coding-DNA position 928, G replaced by C.
Molecular consequence: intron variant.
Genome position (GRCh38, 1-based): chr20:63,438,807, C>G on the plus strand (G>C on the coding strand, the complement: KCNQ2 is on the minus strand). VCF-style: chr20-63438807-C-G. GRCh37 (hg19) VCF-style: chr20-62070160-C-G.
Other names: c.928-87G>C (NM_004518.6, NM_172108.5, NM_172106.3 and 1 more transcripts).
Identifiers: ClinVar variation 670908 (VCV000670908.2), dbSNP rs73146526, ClinGen allele CA317455627.
Genomic context (GRCh38, chr20:63,438,807, plus strand): 5'-CCCCAGGGACCCCCCACACCCCAATTCATCAGGGTCAGACCATGCTCTGGGGCCCCACAC[C>G]CCCCCCAATTCATCAGGGTCAGACCACACTCCAGAGACTCACACACCCCCCAATTCATCA-3'

ClinVar aggregate classification (germline): Benign. Review status: criteria provided, multiple submitters, no conflicts (2 of 4 stars). 2 submissions from 2 submitters: Benign (2). Last evaluated 2018-06-19.

Allele frequency attached by ClinVar (database versions not stated): gnomAD 0.07362; TOPMed 0.09712; 1000 Genomes Project 0.10683.
gnomAD v4.1: 53,712 of 1,017,498 alleles (5.3%); highest among the groups gnomAD compares: Admixed American, 20%; 2,839 homozygotes.

Submissions (2):

GeneDx
Classification: Benign. Last evaluated: 2018-06-19. Review status: criteria provided, single submitter. Criteria: GeneDx Variant Classification (06012015). Collection method: clinical testing. Allele origin: germline. Affected: yes.
Comment: This variant is considered likely benign or benign based on one or more of the following criteria: it is a conservative change, it occurs at a poorly conserved position in the protein, it is predicted to be benign by multiple in silico algorithms, and/or has population frequency not consistent with disease.

Breakthrough Genomics
Classification: Benign. Review status: criteria provided, single submitter. Criteria: ACMG Guidelines, 2015. Collection method: not provided. Allele origin: germline. Inheritance: Autosomal dominant inheritance. Affected: yes.